The following is an entry in ClinVar:

ClinVar aggregate classification (germline): Uncertain significance (1 of 4 stars; one submission).

Conditions:
Joubert syndrome. Also called: CEREBELLOPARENCHYMAL DISORDER IV; JOUBERT-BOLTSHAUSER SYNDROME; Familial aplasia of the vermis. Identifiers: Orphanet 475, MedGen C5979921, MONDO:0018772.

gnomAD v4.1: 3 of 1,611,434 alleles (0.00019%); highest among the groups gnomAD compares: South Asian, 0.0022%; no homozygotes.

Submission:

Labcorp Genetics (formerly Invitae), Labcorp
Classification: Uncertain significance for Joubert syndrome. Last evaluated: 2023-12-30. Review status: criteria provided, single submitter. Criteria: Invitae Variant Classification Sherloc (09022015). Collection method: clinical testing. Allele origin: germline.
Comment: This sequence change replaces alanine, which is neutral and non-polar, with serine, which is neutral and polar, at codon 283 of the INPP5E protein (p.Ala283Ser). This variant is not present in population databases (gnomAD no frequency). This variant has not been reported in the literature in individuals affected with INPP5E-related conditions. ClinVar contains an entry for this variant (Variation ID: 1429407). Advanced modeling of protein sequence and biophysical properties (such as structural, functional, and spatial information, amino acid conservation, physicochemical variation, residue mobility, and thermodynamic stability) has been performed at Invitae for this missense variant, however the output from this modeling did not meet the statistical confidence thresholds required to predict the impact of this variant on INPP5E protein function. In summary, the available evidence is currently insufficient to determine the role of this variant in disease. Therefore, it has been classified as a Variant of Uncertain Significance.

NM_019892.6(INPP5E):c.847G>T (p.Ala283Ser)

Gene: INPP5E (inositol polyphosphate-5-phosphatase E; minus strand). Cytogenetic location: 9q34.3.
Variant type: single nucleotide variant.
Coding change: c.847G>T on transcript NM_019892.6 (MANE Select); coding-DNA position 847, G replaced by T.
Protein change: p.Ala283Ser; replaces alanine 283 with serine.
Molecular consequence: missense variant.
Genome position (GRCh38, 1-based): chr9:136,434,829, C>A on the plus strand (G>T on the coding strand, the complement: INPP5E is on the minus strand). VCF-style: chr9-136434829-C-A. GRCh37 (hg19) VCF-style: chr9-139329281-C-A.
Other names: c.847G>T, p.Ala283Ser (NM_001318502.2); short protein forms A283S.
Identifiers: ClinVar variation 1429407 (VCV001429407.6), dbSNP rs1310994013, ClinGen allele CA375566082.
Genomic context (GRCh38, chr9:136,434,829, plus strand): 5'-CGAAGAGTGCCACGTTCCGGTCTGGGAAGTAGCGGGCCAGCTCATCCGCCCCCAACAGGG[C>A]CCCGCTGGCCAGGAGGCTGCCCTCCAGGTAACTCCTGTGACGGGAGGACCCCAAGCTCAG-3'
Protein context (NP_063945.2, residues 273-293): YLEGSLLASG[Ala283Ser]LLGADELARY